The following is an entry in ClinVar:

ClinVar aggregate classification (germline): Uncertain significance (1 of 4 stars; one submission).

Submission:

GeneDx
Classification: Uncertain significance. Last evaluated: 2023-10-16. Review status: criteria provided, single submitter. Criteria: GeneDx Variant Classification Process June 2021. Collection method: clinical testing. Allele origin: germline. Affected: yes.
Comment: Not observed at significant frequency in large population cohorts (gnomAD); In silico analysis supports that this missense variant has a deleterious effect on protein structure/function; Has not been previously published as pathogenic or benign to our knowledge

NM_000263.4(NAGLU):c.630G>C (p.Trp210Cys)

Gene: NAGLU (N-acetyl-alpha-glucosaminidase; plus strand). Cytogenetic location: 17q21.2.
Variant type: single nucleotide variant.
Coding change: c.630G>C on transcript NM_000263.4 (MANE Select); coding-DNA position 630, G replaced by C.
Protein change: p.Trp210Cys; replaces tryptophan 210 with cysteine.
Molecular consequence: missense variant.
Genome position (GRCh38, 1-based): chr17:42,538,437, G>C. VCF-style: chr17-42538437-G-C. GRCh37 (hg19) VCF-style: chr17-40690455-G-C.
Other names: short protein forms W210C.
Identifiers: ClinVar variation 3366057 (VCV003366057.1).